The following is an entry in ClinVar:

ClinVar aggregate classification (germline): Benign/Likely benign. Review status: criteria provided, multiple submitters, no conflicts (2 of 4 stars). 8 submissions from 8 submitters: Benign (3); Likely benign (4). 1 of the submissions does not count toward it. Last evaluated 2026-01-28.

Conditions:
Hereditary cancer-predisposing syndrome. Also called: Tumor predisposition; Hereditary Cancer Syndrome; Hereditary neoplastic syndrome; Neoplastic Syndromes, Hereditary. Identifiers: Orphanet 140162, MedGen C0027672, MeSH D009386, MONDO:0015356.
Fanconi anemia complementation group N. Also called: PALB2-Related Fanconi Anemia. Identifiers: Orphanet 84, MedGen C1835817, MONDO:0012565, OMIM 610832. Disease mechanism: loss of function.
Pancreatic cancer, susceptibility to, 3. Identifiers: Orphanet 1333, MedGen C3150547, MONDO:0013236, OMIM 613348.
Familial cancer of breast. Also called: Hereditary breast cancer; BREAST CANCER, FAMILIAL; hereditary breast carcinoma. Identifiers: Orphanet 227535, MedGen C0346153, MONDO:0016419, OMIM 114480. Disease mechanism: loss of function.

Submissions (8):

Labcorp Genetics (formerly Invitae), Labcorp
Classification: Benign for Familial cancer of breast. Last evaluated: 2026-01-28. Review status: criteria provided, single submitter. Criteria: Invitae Variant Classification Sherloc (09022015). Collection method: clinical testing. Allele origin: germline.

ARUP Laboratories, Molecular Genetics and Genomics, ARUP Laboratories
Classification: Likely benign. Last evaluated: 2025-06-11. Review status: criteria provided, single submitter. Criteria: ARUP Molecular Germline Variant Investigation Process 2024. Collection method: clinical testing. Allele origin: germline.

Myriad Genetics, Inc.
Classification: Benign for Familial cancer of breast. Last evaluated: 2023-03-30. Review status: criteria provided, single submitter. Criteria: Myriad Autosomal Dominant, Autosomal Recessive and X-Linked Classification Criteria (2023). Collection method: clinical testing. Allele origin: unknown.
Comment: This variant is considered benign. This variant is intronic and is not expected to impact mRNA splicing.

Fulgent Genetics
Classification: Likely benign for Familial cancer of breast; Fanconi anemia complementation group N; Pancreatic cancer, susceptibility to, 3. Last evaluated: 2022-01-07. Review status: criteria provided, single submitter. Criteria: ACMG Guidelines, 2015. Collection method: clinical testing. Allele origin: unknown.

PreventionGenetics, part of Exact Sciences
Classification: Likely benign. Last evaluated: 2017-03-17. Review status: criteria provided, single submitter. Criteria: ACMG Guidelines, 2015. Collection method: clinical testing. Allele origin: germline.

Color Diagnostics, LLC DBA Color Health
Classification: Likely benign for Hereditary cancer-predisposing syndrome. Last evaluated: 2015-04-16. Review status: criteria provided, single submitter. Criteria: ACMG Guidelines, 2015. Collection method: clinical testing. Allele origin: germline.

GeneDx
Classification: Benign. Last evaluated: 2015-03-06. Review status: criteria provided, single submitter. Criteria: GeneDx Variant Classification Process June 2021. Collection method: clinical testing. Allele origin: germline. Affected: yes.

Counsyl
Classification: Likely benign for Familial cancer of breast. Last evaluated: 2016-10-13. Review status: no assertion criteria provided. Collection method: clinical testing. Allele origin: unknown. Not counted in ClinVar's aggregate classification.

NM_024675.4(PALB2):c.212-24TA[4]

Gene: PALB2 (partner and localizer of BRCA2; minus strand). Cytogenetic location: 16p12.2.
Variant type: Microsatellite.
Coding change: c.212-24TA[4] on transcript NM_024675.4 (MANE Select); four copies in a row of the 2-base unit TA starting at c.212-24; the reference has three copies in a row; one copy, 2 bases duplicated.
Molecular consequence: intron variant.
Genome position (GRCh38, 1-based): chr16:23,636,353-23,636,354, TA duplicated on the plus strand (TA on the coding strand, the reverse complement: PALB2 is on the minus strand); duplicating any 2 consecutive bases within chr16:23,636,353-23,636,358 gives the same sequence; the position shown is the placement nearest the transcript's 3' end. VCF-style (leftmost placement, unchanged base first): chr16-23636352-G-GTA. GRCh37 (hg19) VCF-style: chr16-23647673-G-GTA.
Other names: c.212-20_212-19dupTA (NM_024675.3); c.212-20_212-19dup (NM_024675.4).
Identifiers: ClinVar variation 372017 (VCV000372017.19), dbSNP rs751741705, ClinGen allele CA7963813.